The following is an entry in ClinVar:

ClinVar aggregate classification (germline): Uncertain significance. Review status: criteria provided, multiple submitters, no conflicts (2 of 4 stars). 4 submissions from 4 submitters: Uncertain significance (4). Last evaluated 2023-07-24.

Conditions:
Neurofibromatosis, type 1 (NF1). Also called: Neurofibromatosis, type I; VON RECKLINGHAUSEN DISEASE; Peripheral type neurofibromatosis; NEUROFIBROMATOSIS, TYPE I, SOMATIC. Identifiers: Orphanet 636, MedGen C0027831, MONDO:0018975, OMIM 162200. Disease mechanism: loss of function.
Juvenile myelomonocytic leukemia (JMML). Also called: LEUKEMIA, JUVENILE MYELOMONOCYTIC, SOMATIC. Identifiers: Orphanet 86834, MedGen C0349639, MONDO:0011908, OMIM 607785, HP:0012209.

Allele frequency attached by ClinVar (database versions not stated): gnomAD exomes below 0.00001; gnomAD 0.00001.
gnomAD v4.1: 1 of 1,614,046 alleles (0.000062%); highest among the groups gnomAD compares: African/African-American, 0.0013%; no homozygotes.

Submissions (4):

Baylor Genetics
Classification: Uncertain significance for Juvenile myelomonocytic leukemia. Last evaluated: 2023-07-24. Review status: criteria provided, single submitter. Criteria: ACMG Guidelines, 2015. Collection method: clinical testing. Allele origin: unknown.

Genome-Nilou Lab
Classification: Uncertain significance for Neurofibromatosis, type 1. Last evaluated: 2022-03-15. Review status: criteria provided, single submitter. Criteria: ACMG Guidelines, 2015. Collection method: clinical testing. Allele origin: germline. Affected: no.

Labcorp Genetics (formerly Invitae), Labcorp
Classification: Uncertain significance for Neurofibromatosis, type 1. Last evaluated: 2021-08-26. Review status: criteria provided, single submitter. Criteria: Invitae Variant Classification Sherloc (09022015). Collection method: clinical testing. Allele origin: germline.
Comment: In summary, the available evidence is currently insufficient to determine the role of this variant in disease. Therefore, it has been classified as a Variant of Uncertain Significance. Algorithms developed to predict the effect of sequence changes on RNA splicing suggest that this variant may create or strengthen a splice site, but this prediction has not been confirmed by published transcriptional studies. Algorithms developed to predict the effect of missense changes on protein structure and function are either unavailable or do not agree on the potential impact of this missense change (SIFT: "Tolerated"; PolyPhen-2: "Probably Damaging"; Align-GVGD: "Class C0"). This variant has not been reported in the literature in individuals with NF1-related conditions. This variant is not present in population databases (ExAC no frequency). This sequence change replaces leucine with valine at codon 1839 of the NF1 protein (p.Leu1839Val). The leucine residue is moderately conserved and there is a small physicochemical difference between leucine and valine.

GeneDx
Classification: Uncertain significance. Last evaluated: 2021-04-01. Review status: criteria provided, single submitter. Criteria: GeneDx Variant Classification Process June 2021. Collection method: clinical testing. Allele origin: germline. Affected: yes.
Comment: In silico analysis supports that this missense variant has a deleterious effect on protein structure/function; Has not been previously published as pathogenic or benign to our knowledge

NM_001042492.3(NF1):c.5578C>G (p.Leu1860Val)

Gene: NF1 (neurofibromin 1; plus strand). Cytogenetic location: 17q11.2.
Variant type: single nucleotide variant.
Coding change: c.5578C>G on transcript NM_001042492.3 (MANE Select); coding-DNA position 5578, C replaced by G.
Protein change: p.Leu1860Val; replaces leucine 1860 with valine.
Molecular consequence: missense variant.
Genome position (GRCh38, 1-based): chr17:31,327,808, C>G. VCF-style: chr17-31327808-C-G. GRCh37 (hg19) VCF-style: chr17-29654826-C-G.
Other names: c.5515C>G, p.Leu1839Val (NM_000267.4); short protein forms L1839V, L1860V.
Identifiers: ClinVar variation 864045 (VCV000864045.10), dbSNP rs746689492, ClinGen allele CA289378962.